The following is an entry in ClinVar:

ClinVar aggregate classification (germline): Uncertain significance. Review status: criteria provided, multiple submitters, no conflicts (2 of 4 stars). 2 submissions from 2 submitters: Uncertain significance (2). Last evaluated 2025-02-26.

Conditions:
Brody myopathy. Also called: BRODY DISEASE. Identifiers: Orphanet 53347, MedGen C1832918, MONDO:0010977, OMIM 601003.

gnomAD v4.1: 5 of 1,614,026 alleles (0.00031%); highest among the groups gnomAD compares: Non-Finnish European, 0.00042%; no homozygotes.

Submissions (2):

GeneDx
Classification: Uncertain significance. Last evaluated: 2025-02-26. Review status: criteria provided, single submitter. Criteria: GeneDx Variant Classification Process June 2021. Collection method: clinical testing. Allele origin: germline. Affected: yes.
Comment: Not observed at significant frequency in large population cohorts (gnomAD); In silico analysis supports that this missense variant has a deleterious effect on protein structure/function; Has not been previously published as pathogenic or benign to our knowledge

Labcorp Genetics (formerly Invitae), Labcorp
Classification: Uncertain significance for Brody myopathy. Last evaluated: 2025-02-09. Review status: criteria provided, single submitter. Criteria: Invitae Variant Classification Sherloc (09022015). Collection method: clinical testing. Allele origin: germline.
Comment: This sequence change replaces isoleucine, which is neutral and non-polar, with serine, which is neutral and polar, at codon 140 of the ATP2A1 protein (p.Ile140Ser). This variant is not present in population databases (gnomAD no frequency). This variant has not been reported in the literature in individuals affected with ATP2A1-related conditions. An algorithm developed to predict the effect of missense changes on protein structure and function (PolyPhen-2) suggests that this variant is likely to be tolerated. In summary, the available evidence is currently insufficient to determine the role of this variant in disease. Therefore, it has been classified as a Variant of Uncertain Significance.

NM_004320.6(ATP2A1):c.419T>G (p.Ile140Ser)

Gene: ATP2A1 (ATPase sarcoplasmic/endoplasmic reticulum Ca2+ transporting 1; plus strand). Cytogenetic location: 16p11.2.
Variant type: single nucleotide variant.
Coding change: c.419T>G on transcript NM_004320.6 (MANE Select); coding-DNA position 419, T replaced by G.
Protein change: p.Ile140Ser; replaces isoleucine 140 with serine.
Molecular consequence: missense variant.
Genome position (GRCh38, 1-based): chr16:28,882,545, T>G. VCF-style: chr16-28882545-T-G. GRCh37 (hg19) VCF-style: chr16-28893866-T-G.
Other names: c.44T>G, p.Ile15Ser (NM_001286075.2); c.419T>G, p.Ile140Ser (NM_173201.5); short protein forms I140S, I15S.
Identifiers: ClinVar variation 4077181 (VCV004077181.2).